The following is an entry in ClinVar:

NM_000245.4(MET):c.694C>G (p.Gln232Glu)

Gene: MET (MET proto-oncogene, receptor tyrosine kinase; plus strand). Cytogenetic location: 7q31.2.
Variant type: single nucleotide variant.
Coding change: c.694C>G on transcript NM_000245.4 (MANE Select); coding-DNA position 694, C replaced by G.
Protein change: p.Gln232Glu; replaces glutamine 232 with glutamic acid.
Molecular consequence: missense variant. On other transcripts: intron variant (1).
Genome position (GRCh38, 1-based): chr7:116,699,778, C>G. VCF-style: chr7-116699778-C-G. GRCh37 (hg19) VCF-style: chr7-116339832-C-G.
Other names: c.694C>G (NM_000245.2); c.694C>G, p.Gln232Glu (NM_001127500.3, NM_001324401.3); c.-91+27201C>G (NM_001324402.2); short protein forms Q232E.
Identifiers: ClinVar variation 2078395 (VCV002078395.5), dbSNP rs2116595534, ClinGen allele CA368969641.

ClinVar aggregate classification (germline): Uncertain significance. Review status: criteria provided, multiple submitters, no conflicts (2 of 4 stars). 2 submissions from 2 submitters: Uncertain significance (2). Last evaluated 2026-07-07.

Conditions:
Renal cell carcinoma. Identifiers: Orphanet 217071, MedGen C0007134, MeSH D002292, MONDO:0005086, HP:0005584.
Hereditary cancer-predisposing syndrome. Also called: Tumor predisposition; Hereditary Cancer Syndrome; Hereditary neoplastic syndrome; Neoplastic Syndromes, Hereditary. Identifiers: Orphanet 140162, MedGen C0027672, MeSH D009386, MONDO:0015356.

Submissions (2):

Ambry Genetics
Classification: Uncertain significance for Hereditary cancer-predisposing syndrome. Last evaluated: 2026-07-07. Review status: criteria provided, single submitter. Criteria: Ambry Variant Classification Scheme 2023. Collection method: clinical testing. Allele origin: germline.
Comment: The p.Q232E variant (also known as c.694C>G), located in coding exon 1 of the MET gene, results from a C to G substitution at nucleotide position 694. The glutamine at codon 232 is replaced by glutamic acid, an amino acid with highly similar properties. This amino acid position is conserved. In addition, this alteration is predicted to be tolerated by in silico analysis. Based on the available evidence, the clinical significance of this variant remains unclear.

Labcorp Genetics (formerly Invitae), Labcorp
Classification: Uncertain significance for Renal cell carcinoma. Last evaluated: 2022-04-18. Review status: criteria provided, single submitter. Criteria: Invitae Variant Classification Sherloc (09022015). Collection method: clinical testing. Allele origin: germline.
Comment: This variant has not been reported in the literature in individuals affected with MET-related conditions. This sequence change replaces glutamine, which is neutral and polar, with glutamic acid, which is acidic and polar, at codon 232 of the MET protein (p.Gln232Glu). This variant is not present in population databases (gnomAD no frequency). Algorithms developed to predict the effect of missense changes on protein structure and function are either unavailable or do not agree on the potential impact of this missense change (SIFT: "Deleterious"; PolyPhen-2: "Benign"; Align-GVGD: "Class C0"). In summary, the available evidence is currently insufficient to determine the role of this variant in disease. Therefore, it has been classified as a Variant of Uncertain Significance.